The following is an entry in ClinVar:

ClinVar aggregate classification (germline): Uncertain significance. Review status: criteria provided, multiple submitters, no conflicts (2 of 4 stars). 3 submissions from 3 submitters: Uncertain significance (2). 1 of the submissions does not count toward it. Last evaluated 2025-10-18.

Conditions:
Nemaline myopathy. Also called: Myopathies, Nemaline. Identifiers: Orphanet 607, MedGen C0206157, MONDO:0018958.
Nemaline myopathy 2 (NEM2). Also called: Nemaline myopathy 2, autosomal recessive. Identifiers: MedGen C1850569, MONDO:0009725, OMIM 256030.

Allele frequency attached by ClinVar (database versions not stated): gnomAD 0.00001; gnomAD exomes 0.00001; TOPMed 0.00001; ExAC 0.00002.
gnomAD v4.1: 10 of 1,613,592 alleles (0.00062%); highest among the groups gnomAD compares: Non-Finnish European, 0.00076%; no homozygotes.

Submissions (3):

Labcorp Genetics (formerly Invitae), Labcorp
Classification: Uncertain significance for Nemaline myopathy 2. Last evaluated: 2025-10-18. Review status: criteria provided, single submitter. Criteria: Invitae Variant Classification Sherloc (09022015). Collection method: clinical testing. Allele origin: germline.
Comment: This sequence change replaces lysine, which is basic and polar, with glutamic acid, which is acidic and polar, at codon 845 of the NEB protein (p.Lys845Glu). This variant is present in population databases (rs772154599, gnomAD 0.002%). This missense change has been observed in individuals with clinical features of NEB-related myopathy (PMID: 25214167; internal data). ClinVar contains an entry for this variant (Variation ID: 644901). Experimental studies and prediction algorithms are not available or were not evaluated, and the functional significance of this variant is currently unknown. In summary, the available evidence is currently insufficient to determine the role of this variant in disease. Therefore, it has been classified as a Variant of Uncertain Significance.

Broad Center for Mendelian Genomics, Broad Institute of MIT and Harvard
Classification: Uncertain significance for Nemaline myopathy. Last evaluated: 2025-03-21. Review status: criteria provided, single submitter. Criteria: ACMG Guidelines, 2015. Collection method: curation. Allele origin: germline. Inheritance: Autosomal recessive inheritance.
Comment: The p.Lys845Glu variant in NEB has been reported in one individual with nemaline myopathy (PMID: 25214167), and has been identified in 0.0007% (9/1179622) of European (non-Finnish) chromosomes by the Genome Aggregation Database (gnomAD; dbSNP ID: rs772154599). Although this variant has been seen in the general population in a heterozygous state, its frequency is low enough to be consistent with a recessive carrier frequency. Computational prediction tools and conservation analyses do not provide strong support for or against an impact to the protein. This variant has also been reported in ClinVar (Variation ID: 644901) and has been interpreted as a variant of uncertain significance by Invitae and Natera Inc. The phenotype of an individual heterozygous for this variant is highly specific for nemaline myopathy based on the presence of nemaline rods consistent with disease (PMID: 25214167). In summary, the clinical significance of the p.Lys845Glu variant is uncertain. ACMG/AMP Criteria applied: PP4, PM2_supporting (Richards 2015).

Natera, Inc.
Classification: Uncertain significance for Nemaline myopathy type 2. Last evaluated: 2020-11-09. Review status: no assertion criteria provided. Collection method: clinical testing. Allele origin: germline. Not counted in ClinVar's aggregate classification.

Literature cited by the submitters: PubMed 25214167 (cited by Labcorp Genetics (formerly Invitae), Labcorp).

NM_001164508.2(NEB):c.2533A>G (p.Lys845Glu)

Gene: NEB (nebulin; minus strand). Cytogenetic location: 2q23.3.
Variant type: single nucleotide variant.
Coding change: c.2533A>G on transcript NM_001164508.2 (MANE Select); coding-DNA position 2533, A replaced by G.
Protein change: p.Lys845Glu; replaces lysine 845 with glutamic acid.
Molecular consequence: missense variant.
Genome position (GRCh38, 1-based): chr2:151,687,523, T>C on the plus strand (A>G on the coding strand, the complement: NEB is on the minus strand). VCF-style: chr2-151687523-T-C. GRCh37 (hg19) VCF-style: chr2-152544037-T-C.
Other names: NM_001164508.2(NEB):c.2533A>G; p.Lys845Glu; c.2533A>G, p.Lys845Glu (NM_001164507.2, NM_001271208.2, NM_004543.5); short protein forms K845E.
Identifiers: ClinVar variation 644901 (VCV000644901.9), dbSNP rs772154599, ClinGen allele CA1911191.
Genomic context (GRCh38, chr2:151,687,523, plus strand): 5'-GATCGTCATTAATGCTGAGGGCTCCAATCATTTTCCCTTTGCTCTTTTCATAGTCTTTCT[T>C]GTACATCACCTGCAAAGACATCACACATGCCAGATCCCACTCACCAGGAAATGTCCCCAA-3'
Protein context (NP_001157980.2, residues 835-855): NTKNTSDVMY[Lys845Glu]KDYEKSKGKM